The following is an entry in ClinVar:

NM_000080.4(CHRNE):c.-95G>A

Genes: CHRNE (cholinergic receptor nicotinic epsilon subunit; minus strand), C17orf107 (chromosome 17 open reading frame 107; plus strand). Cytogenetic location: 17p13.2.
Variant type: single nucleotide variant.
Coding change: c.-95G>A on transcript NM_000080.4 (MANE Select); 95 bases upstream of the start codon, G replaced by A.
Molecular consequence: genic upstream transcript variant.
Genome position (GRCh38, 1-based): chr17:4,903,158, C>T on the plus strand (G>A on the coding strand, the complement: CHRNE is on the minus strand). VCF-style: chr17-4903158-C-T. GRCh37 (hg19) VCF-style: chr17-4806453-C-T.
Identifiers: ClinVar variation 465866 (VCV000465866.49), dbSNP rs990457690, ClinGen allele CA287187618.

ClinVar aggregate classification (germline): Conflicting classifications of pathogenicity. Review status: criteria provided, conflicting classifications (1 of 4 stars). 7 submissions from 6 submitters: Pathogenic (1); Likely pathogenic (5); Uncertain significance (1). Last evaluated 2025-01-09.

Conditions:
Congenital myasthenic syndrome 4A. Also called: Myasthenic syndrome, congenital, 4a, slow-channel; MYASTHENIC SYNDROME, CONGENITAL, 4A, SLOW-CHANNEL, AUTOSOMAL RECESSIVE; CONGENITAL MYASTHENIC SYNDROME TYPE Ia1. Identifiers: Orphanet 590, MedGen C4225413, MONDO:0011600, OMIM 605809.
Congenital myasthenic syndrome 4B. Also called: Myasthenic syndrome, congenital, 4b, fast-channel. Identifiers: Orphanet 590, MedGen C4225369, MONDO:0014586, OMIM 616324.
Congenital myasthenic syndrome (CMS). Also called: Congenital Myasthenic Syndromes. Identifiers: Orphanet 590, MedGen C0751882, MeSH D020294, MONDO:0018940.
Congenital myasthenic syndrome 4C (CMS4C). Also called: Myasthenic syndrome, congenital, associated with acetylcholine receptor deficiency. Identifiers: Orphanet 590, MedGen C1837091, MONDO:0012157, OMIM 608931.

Allele frequency attached by ClinVar (database versions not stated): gnomAD exomes below 0.00001; gnomAD 0.00002 and 0.00003.
gnomAD v4.1: 6 of 1,306,672 alleles (0.00046%); highest among the groups gnomAD compares: African/African-American, 0.0044%; no homozygotes.

Submissions (7):

Natera, Inc.
Classification: Likely pathogenic for Congenital myasthenic syndrome. Last evaluated: 2025-01-09. Review status: criteria provided, single submitter. Criteria: Natera Variant Classification Schema (03/2026). Collection method: clinical testing. Allele origin: germline.
Comment: The c.-95G>A variant in CHRNE is a 5' untranslated region (UTR) variant located upstream of the translation start codon. This variant is rare in the general population with a frequency below the threshold expected for the associated phenotype(s). This variant has been observed in one or more individuals affected with the associated recessive disease, as either homozygous or compound heterozygous with a second variant (PMID: 10382905, 22678886, 33756069). Additionally, this variant has been observed to segregate in affected family members (PMID: 10382905). Given the available evidence, this variant is classified as Likely Pathogenic.

Baylor Genetics
Classification: Likely pathogenic for Congenital myasthenic syndrome 4A. Last evaluated: 2024-02-22. Review status: criteria provided, single submitter. Criteria: ACMG Guidelines, 2015. Collection method: clinical testing. Allele origin: unknown.

Kariminejad - Najmabadi Pathology & Genetics Center
Classification: Likely pathogenic for Congenital myasthenic syndrome 4A; Congenital myasthenic syndrome 4B; Congenital myasthenic syndrome 4C. Last evaluated: 2024-01-18. Review status: criteria provided, single submitter. Criteria: ACMG Guidelines, 2015. Collection method: clinical testing. Allele origin: germline. Inheritance: Autosomal recessive inheritance. Affected: yes.
Comment: Not Provided

Labcorp Genetics (formerly Invitae), Labcorp
Classification: Pathogenic for Congenital myasthenic syndrome 4A. Last evaluated: 2023-08-29. Review status: criteria provided, single submitter. Criteria: Invitae Variant Classification Sherloc (09022015). Collection method: clinical testing. Allele origin: germline.
Comment: For these reasons, this variant has been classified as Pathogenic. Adjacent variants within the N-box (c.-94G>A, c.-96C>T) have also been observed to segregate with congenital myasthenic syndrome in affected families (PMID: 10211467, 11960891) and functional studies show that they affect CHRNE expression (PMID: 8663316, 9606190). This suggests that the N-box is important for CHRNE expression, and that other variants in this motif may also be pathogenic. This variant affects a highly conserved nucleotide within the N-box motif of the CHRNE promoter region of CHRNE termed the N-box. Experimental studies show that variants affecting the N-box motif impair DNA-binding efficiency and epsilon subunit transcription, which drives synapse-specific CHRNE expression (PMID: 8663316, 9606190). Algorithms developed to predict the effect of variants on protein structure and function are not available or were not evaluated for this variant. ClinVar contains an entry for this variant (Variation ID: 465866). This variant is also known as -155G>A. This variant has been observed in individuals with autosomal recessive congenital myasthenic syndrome (PMID: 10382905). It has also been observed to segregate with disease in related individuals. This variant is present in population databases (no rsID available, gnomAD 0.02%). This variant occurs in a non-coding region of the CHRNE gene. It does not change the encoded amino acid sequence of the CHRNE protein.

GeneDx
Classification: Uncertain significance. Last evaluated: 2023-06-06. Review status: criteria provided, single submitter. Criteria: GeneDx Variant Classification Process June 2021. Collection method: clinical testing. Allele origin: germline. Affected: yes.
Comment: Previously reported in an individual with congenital myasthenia syndrome who had a second CHRNE variant; however segregation information was not reported (PMID: 33756069); Published functional studies suggest that the variant is located in a promoter region of CHRNE and results in reduced gene expression (PMID: 8663316); Also known as c.-155G>A; This variant is associated with the following publications: (PMID: 8663316, 33756069, 10382905)

CeGaT Center for Human Genetics Tuebingen
Classification: Likely pathogenic. Last evaluated: 2021-09-01. Review status: criteria provided, single submitter. Criteria: CeGaT Center For Human Genetics Tuebingen Variant Classification Criteria Version 2. Collection method: clinical testing. Allele origin: germline. Affected: yes. Observed: 1 variant allele.

Baylor Genetics
Classification: Likely pathogenic for Congenital myasthenic syndrome 4B. Last evaluated: 2019-12-12. Review status: criteria provided, single submitter. Criteria: ACMG Guidelines, 2015. Collection method: clinical testing. Allele origin: unknown. Affected: yes.
Comment: This variant was determined to be likely pathogenic according to ACMG Guidelines, 2015 [PMID:25741868].

Literature cited by the submitters: PubMed 10382905 (cited by Natera, Inc. and Labcorp Genetics (formerly Invitae), Labcorp); PubMed 22678886 (cited by Natera, Inc.); PubMed 33756069 (cited by Natera, Inc.); PubMed 10211467 (cited by Labcorp Genetics (formerly Invitae), Labcorp); PubMed 11960891 (cited by Labcorp Genetics (formerly Invitae), Labcorp); PubMed 8663316 (cited by Labcorp Genetics (formerly Invitae), Labcorp); PubMed 9606190 (cited by Labcorp Genetics (formerly Invitae), Labcorp).